The following is an entry in ClinVar:

NM_006031.6(PCNT):c.4174C>T (p.Arg1392Trp)

Gene: PCNT (pericentrin; plus strand). Cytogenetic location: 21q22.3.
Variant type: single nucleotide variant.
Coding change: c.4174C>T on transcript NM_006031.6 (MANE Select); coding-DNA position 4174, C replaced by T.
Protein change: p.Arg1392Trp; replaces arginine 1392 with tryptophan.
Molecular consequence: missense variant.
Genome position (GRCh38, 1-based): chr21:46,391,334, C>T. VCF-style: chr21-46391334-C-T. GRCh37 (hg19) VCF-style: chr21-47811249-C-T.
Other names: c.3820C>T, p.Arg1274Trp (NM_001315529.2); c.4174C>T (NM_006031.5); short protein forms R1274W, R1392W.
Identifiers: ClinVar variation 2652826 (VCV002652826.26), dbSNP rs374256407, ClinGen allele CA10079554.

ClinVar aggregate classification (germline): Uncertain significance. Review status: criteria provided, multiple submitters, no conflicts (2 of 4 stars). 4 submissions from 4 submitters: Uncertain significance (3). 1 of the submissions does not count toward it. Last evaluated 2026-01-03.

Conditions:
Inborn genetic diseases. Identifiers: MedGen C0950123, MeSH D030342.
PCNT-related disorder. Also called: PCNT-related condition.

Allele frequency attached by ClinVar (database versions not stated): gnomAD 0.00002; gnomAD exomes 0.00002; TOPMed 0.00003.
gnomAD v4.1: 31 of 1,556,754 alleles (0.002%); highest among the groups gnomAD compares: Admixed American, 0.0078%; no homozygotes.

Submissions (4):

Labcorp Genetics (formerly Invitae), Labcorp
Classification: Uncertain significance. Last evaluated: 2026-01-03. Review status: criteria provided, single submitter. Criteria: Invitae Variant Classification Sherloc (09022015). Collection method: clinical testing. Allele origin: germline.
Comment: This sequence change replaces arginine, which is basic and polar, with tryptophan, which is neutral and slightly polar, at codon 1392 of the PCNT protein (p.Arg1392Trp). This variant is present in population databases (rs374256407, gnomAD 0.01%). This variant has not been reported in the literature in individuals affected with PCNT-related conditions. ClinVar contains an entry for this variant (Variation ID: 2652826). An algorithm developed to predict the effect of missense changes on protein structure and function (PolyPhen-2) suggests that this variant is likely to be tolerated. In summary, the available evidence is currently insufficient to determine the role of this variant in disease. Therefore, it has been classified as a Variant of Uncertain Significance.

CeGaT Center for Human Genetics Tuebingen
Classification: Uncertain significance. Last evaluated: 2025-11-01. Review status: criteria provided, single submitter. Criteria: CeGaT Center For Human Genetics Tuebingen Variant Classification Criteria Version 2. Collection method: clinical testing. Allele origin: germline. Affected: yes. Observed: 2 variant alleles.
Comment: PCNT: PM2, BP4

Ambry Genetics
Classification: Uncertain significance for Inborn genetic diseases. Last evaluated: 2024-12-28. Review status: criteria provided, single submitter. Criteria: Ambry Variant Classification Scheme 2023. Collection method: clinical testing. Allele origin: germline.

PreventionGenetics, part of Exact Sciences
Classification: Uncertain significance for PCNT-related condition. Last evaluated: 2024-03-05. Review status: no assertion criteria provided. Collection method: clinical testing. Allele origin: germline. Not counted in ClinVar's aggregate classification.
Comment: The PCNT c.4174C>T variant is predicted to result in the amino acid substitution p.Arg1392Trp. To our knowledge, this variant has not been reported in the literature. This variant is reported in 0.012% of alleles in individuals of Latino descent in gnomAD. At this time, the clinical significance of this variant is uncertain due to the absence of conclusive functional and genetic evidence.